The following is an entry in ClinVar:

NM_001848.3(COL6A1):c.*294G>A

Gene: COL6A1 (collagen type VI alpha 1 chain; plus strand). Cytogenetic location: 21q22.3.
Variant type: single nucleotide variant.
Coding change: c.*294G>A on transcript NM_001848.3 (MANE Select); 294 bases downstream of the stop codon, G replaced by A.
Molecular consequence: 3 prime UTR variant.
Genome position (GRCh38, 1-based): chr21:46,004,307, G>A. VCF-style: chr21-46004307-G-A. GRCh37 (hg19) VCF-style: chr21-47424221-G-A.
Identifiers: ClinVar variation 340337 (VCV000340337.7), dbSNP rs112057581, ClinGen allele CA10653696.
Genomic context (GRCh38, chr21:46,004,307, plus strand): 5'-TAGTGTCACCTGCACAGGGCCCTCTGAGGCTCAGCCCTGAGCTGGCGTCACCTGTGCAGG[G>A]CCCTCTGGGGCTCAGCCCTGAGCTGGCCTCACCTGGGTTCCCCACCCCGGGCTCTCCTGC-3'

ClinVar aggregate classification (germline): Benign/Likely benign. Review status: criteria provided, multiple submitters, no conflicts (2 of 4 stars). 2 submissions from 2 submitters: Benign (1); Likely benign (1). Last evaluated 2018-07-31.

Conditions:
Collagen 6-related myopathy. Identifiers: MedGen CN117976, MONDO:0100225.

Allele frequency attached by ClinVar (database versions not stated): 1000 Genomes Project 0.00280; 1000 Genomes Project 30x 0.00375; TOPMed 0.00809; gnomAD 0.00996 and 0.01013; gnomAD exomes 0.01177.

Submissions (2):

GeneDx
Classification: Likely benign. Last evaluated: 2018-07-31. Review status: criteria provided, single submitter. Criteria: GeneDx Variant Classification Process June 2021. Collection method: clinical testing. Allele origin: germline. Affected: yes.

Illumina Laboratory Services, Illumina
Classification: Benign for Collagen VI-related myopathy. Last evaluated: 2018-01-13. Review status: criteria provided, single submitter. Criteria: ICSL Variant Classification Criteria 13 December 2019. Collection method: clinical testing. Allele origin: germline.
Comment: This variant was observed in the ICSL laboratory as part of a predisposition screen in an ostensibly healthy population. It had not been previously curated by ICSL or reported in the Human Gene Mutation Database (HGMD: prior to June 1st, 2018), and was therefore a candidate for classification through an automated scoring system. Utilizing variant allele frequency, disease prevalence and penetrance estimates, and inheritance mode, an automated score was calculated to assess if this variant is too frequent to cause the disease. Based on the score and internal cut-off values, a variant classified as benign is not then subjected to further curation. The score for this variant resulted in a classification of benign for this disease.